The following is an entry in ClinVar:

NM_000486.6(AQP2):c.202A>T (p.Asn68Tyr)

Gene: AQP2 (aquaporin 2; plus strand). Cytogenetic location: 12q13.12.
Variant type: single nucleotide variant.
Coding change: c.202A>T on transcript NM_000486.6 (MANE Select); coding-DNA position 202, A replaced by T.
Protein change: p.Asn68Tyr; replaces asparagine 68 with tyrosine.
Molecular consequence: missense variant.
Genome position (GRCh38, 1-based): chr12:49,951,032, A>T. VCF-style: chr12-49951032-A-T. GRCh37 (hg19) VCF-style: chr12-50344815-A-T.
Other names: short protein forms N68Y.
Identifiers: ClinVar variation 3769496 (VCV003769496.2).

ClinVar aggregate classification (germline): Uncertain significance (1 of 4 stars; one submission).

Submission:

Women's Health and Genetics/Laboratory Corporation of America, LabCorp
Classification: Uncertain significance. Last evaluated: 2025-01-21. Review status: criteria provided, single submitter. Criteria: LabCorp Variant Classification Summary - May 2015. Collection method: clinical testing. Allele origin: germline.
Comment: Variant summary: AQP2 c.202A>T (p.Asn68Tyr) results in a non-conservative amino acid change located in the MIP (IPR000425) of the encoded protein sequence. Five of five in-silico tools predict a damaging effect of the variant on protein function. The variant was absent in 282160 control chromosomes. The available data on variant occurrences in the general population are insufficient to allow any conclusion about variant significance. c.202A>T has been reported in the literature in individuals affected with Nephrogenic Diabetes Insipidus (Zhu_2020). These report(s) do not provide unequivocal conclusions about association of the variant with Nephrogenic Diabetes Insipidus. To our knowledge, no experimental evidence demonstrating an impact on protein function has been reported. The following publication have been ascertained in the context of this evaluation (PMID: 33240318). No submitters have cited clinical-significance assessments for this variant to ClinVar. Based on the evidence outlined above, the variant was classified as uncertain significance.

Literature cited by the submitters: PubMed 33240318.